The following is an entry in ClinVar:

NM_016239.4(MYO15A):c.9560G>A (p.Arg3187His)

Gene: MYO15A (myosin XVA; plus strand). Cytogenetic location: 17p11.2.
Variant type: single nucleotide variant.
Coding change: c.9560G>A on transcript NM_016239.4 (MANE Select); coding-DNA position 9560, G replaced by A.
Protein change: p.Arg3187His; replaces arginine 3187 with histidine.
Molecular consequence: missense variant.
Genome position (GRCh38, 1-based): chr17:18,162,627, G>A. VCF-style: chr17-18162627-G-A. GRCh37 (hg19) VCF-style: chr17-18065941-G-A.
Other names: short protein forms R3187H.
Identifiers: ClinVar variation 3777475 (VCV003777475.2).

ClinVar aggregate classification (germline): Uncertain significance (1 of 4 stars; one submission).

gnomAD v4.1: 36 of 1,613,986 alleles (0.0022%); highest among the groups gnomAD compares: African/African-American, 0.008%; no homozygotes.

Submission:

GeneDx
Classification: Uncertain significance. Last evaluated: 2025-06-10. Review status: criteria provided, single submitter. Criteria: GeneDx Variant Classification Process June 2021. Collection method: clinical testing. Allele origin: germline.
Comment: Not observed at significant frequency in large population cohorts (gnomAD); In silico analysis supports that this missense variant has a deleterious effect on protein structure/function; Has not been previously published as pathogenic or benign to our knowledge